The following is an entry in ClinVar:

ClinVar aggregate classification (germline): Uncertain significance (1 of 4 stars; one submission).

Conditions:
Birt-Hogg-Dube syndrome. Also called: Birt Hogg Dubé syndrome. Identifiers: Orphanet 122, MedGen C0346010, MONDO:0800444.

gnomAD v4.1: 1 of 1,614,236 alleles (0.000062%); highest among the groups gnomAD compares: South Asian, 0.0011%; no homozygotes.

Submission:

Labcorp Genetics (formerly Invitae), Labcorp
Classification: Uncertain significance for Birt-Hogg-Dube syndrome. Last evaluated: 2024-04-03. Review status: criteria provided, single submitter. Criteria: Invitae Variant Classification Sherloc (09022015). Collection method: clinical testing. Allele origin: germline.
Comment: This sequence change replaces serine, which is neutral and polar, with proline, which is neutral and non-polar, at codon 240 of the FLCN protein (p.Ser240Pro). This variant is present in population databases (no rsID available, gnomAD 0.003%). This variant has not been reported in the literature in individuals affected with FLCN-related conditions. Advanced modeling of protein sequence and biophysical properties (such as structural, functional, and spatial information, amino acid conservation, physicochemical variation, residue mobility, and thermodynamic stability) performed at Invitae indicates that this missense variant is not expected to disrupt FLCN protein function with a negative predictive value of 80%. In summary, the available evidence is currently insufficient to determine the role of this variant in disease. Therefore, it has been classified as a Variant of Uncertain Significance.

NM_144997.7(FLCN):c.718T>C (p.Ser240Pro)

Gene: FLCN (folliculin; minus strand). Cytogenetic location: 17p11.2.
Variant type: single nucleotide variant.
Coding change: c.718T>C on transcript NM_144997.7 (MANE Select); coding-DNA position 718, T replaced by C.
Protein change: p.Ser240Pro; replaces serine 240 with proline.
Molecular consequence: missense variant.
Genome position (GRCh38, 1-based): chr17:17,222,562, A>G on the plus strand (T>C on the coding strand, the complement: FLCN is on the minus strand). VCF-style: chr17-17222562-A-G. GRCh37 (hg19) VCF-style: chr17-17125876-A-G.
Other names: c.772T>C, p.Ser258Pro (NM_001353229.2); c.718T>C, p.Ser240Pro (NM_001353230.2, NM_001353231.2, NM_144606.7); short protein forms S240P, S258P.
Identifiers: ClinVar variation 3648632 (VCV003648632.2).